The following is an entry in ClinVar:

NM_007194.4(CHEK2):c.879T>C (p.Asp293=)

Gene: CHEK2 (checkpoint kinase 2; minus strand). Cytogenetic location: 22q12.1.
Variant type: single nucleotide variant.
Coding change: c.879T>C on transcript NM_007194.4 (MANE Select); coding-DNA position 879, T replaced by C.
Protein change: p.Asp293=; no amino-acid change (aspartic acid 293 retained).
Molecular consequence: synonymous variant.
Genome position (GRCh38, 1-based): chr22:28,703,534, A>G on the plus strand (T>C on the coding strand, the complement: CHEK2 is on the minus strand). VCF-style: chr22-28703534-A-G. GRCh37 (hg19) VCF-style: chr22-29099522-A-G.
Other names: c.1008T>C, p.Asp336= (NM_001005735.3); c.216T>C, p.Asp72= (NM_001257387.3); c.678T>C, p.Asp226= (NM_001349956.3); c.879T>C, p.Asp293= (NM_145862.3).
Identifiers: ClinVar variation 794292 (VCV000794292.12), dbSNP rs1601752583, ClinGen allele CA513945082.

ClinVar aggregate classification (germline): Benign/Likely benign. Review status: criteria provided, multiple submitters, no conflicts (2 of 4 stars). 2 submissions from 2 submitters: Benign (1); Likely benign (1). Last evaluated 2024-10-03.

Conditions:
Familial cancer of breast. Also called: hereditary breast carcinoma; Hereditary breast cancer; BREAST CANCER, FAMILIAL. Identifiers: Orphanet 227535, MedGen C0346153, MONDO:0016419, OMIM 114480. Disease mechanism: loss of function.

Submissions (2):

Myriad Genetics, Inc.
Classification: Benign for Familial cancer of breast. Last evaluated: 2024-10-03. Review status: criteria provided, single submitter. Criteria: Myriad Autosomal Dominant, Autosomal Recessive and X-Linked Classification Criteria (2023). Collection method: clinical testing. Allele origin: unknown.
Comment: This variant is considered benign. This variant is a silent/synonymous amino acid change and it is not expected to impact splicing.

Labcorp Genetics (formerly Invitae), Labcorp
Classification: Likely benign for Familial cancer of breast. Last evaluated: 2022-11-08. Review status: criteria provided, single submitter. Criteria: Invitae Variant Classification Sherloc (09022015). Collection method: clinical testing. Allele origin: germline.